The following is an entry in ClinVar:

NM_006225.4(PLCD1):c.1379C>T (p.Ser460Leu)

Gene: PLCD1 (phospholipase C delta 1; minus strand). Cytogenetic location: 3p22.2.
Variant type: single nucleotide variant.
Coding change: c.1379C>T on transcript NM_006225.4 (MANE Select); coding-DNA position 1379, C replaced by T.
Protein change: p.Ser460Leu; replaces serine 460 with leucine.
Molecular consequence: missense variant. On other transcripts: non-coding transcript variant (1).
Genome position (GRCh38, 1-based): chr3:38,009,720, G>A on the plus strand (C>T on the coding strand, the complement: PLCD1 is on the minus strand). VCF-style: chr3-38009720-G-A. GRCh37 (hg19) VCF-style: chr3-38051211-G-A.
Other names: c.1442C>T, p.Ser481Leu (NM_001130964.2); short protein forms S460L, S481L.
Identifiers: ClinVar variation 3058968 (VCV003058968.2), dbSNP rs75495843, ClinGen allele CA2313073.

ClinVar aggregate classification (germline): Benign (0 of 4 stars; one submission).

Conditions:
PLCD1-related disorder. Also called: PLCD1-related condition.

Allele frequency attached by ClinVar (database versions not stated): 1000 Genomes Project 30x 0.01187; 1000 Genomes Project 0.01318; TOPMed 0.01946; ESP Exome Variant Server 0.02153; gnomAD 0.02191; ExAC 0.02535; gnomAD exomes 0.02910.
gnomAD v4.1: 45,764 of 1,614,108 alleles (2.8%); highest among the groups gnomAD compares: South Asian, 3.9%; 739 homozygotes.

Submission:

PreventionGenetics, part of Exact Sciences
Classification: Benign for PLCD1-related condition. Last evaluated: 2024-02-07. Review status: no assertion criteria provided. Collection method: clinical testing. Allele origin: germline.
Comment: This variant is classified as benign based on ACMG/AMP sequence variant interpretation guidelines (Richards et al. 2015 PMID: 25741868, with internal and published modifications).